The following is an entry in ClinVar:

NM_001148.6(ANK2):c.3125+10T>G

Gene: ANK2 (ankyrin 2; plus strand). Cytogenetic location: 4q26.
Variant type: single nucleotide variant.
Coding change: c.3125+10T>G on transcript NM_001148.6 (MANE Select); 10 bases into the intron after coding-DNA position 3125, T replaced by G.
Molecular consequence: intron variant.
Genome position (GRCh38, 1-based): chr4:113,330,480, T>G. VCF-style: chr4-113330480-T-G. GRCh37 (hg19) VCF-style: chr4-114251636-T-G.
Other names: c.3023+10T>G (NM_001354274.2, NM_001386154.1, NM_001386142.1); c.2939+10T>G (NM_001386151.1, NM_001354260.2, NM_001354271.2); c.2741+10T>G (NM_001386158.1); c.3170+10T>G (NM_001354241.2, NM_001386144.1, NM_001354240.2); c.3026+10T>G (NM_001354268.2); c.2924+10T>G (NM_001354273.2); c.2840+10T>G (NM_001386157.1, NM_001354277.2); c.3059+10T>G (NM_001386161.1, NM_001354244.2, NM_001354256.2); and 23 more.
Identifiers: ClinVar variation 3706204 (VCV003706204.2).

ClinVar aggregate classification (germline): Uncertain significance (1 of 4 stars; one submission).

Conditions:
Long QT syndrome (LQTS). Identifiers: MedGen C0023976, MeSH D008133, MONDO:0002442. Disease mechanism: loss of function. Inheritance: Various modes of inheritance.

Submission:

Labcorp Genetics (formerly Invitae), Labcorp
Classification: Uncertain significance for Long QT syndrome. Last evaluated: 2025-01-26. Review status: criteria provided, single submitter. Criteria: Invitae Variant Classification Sherloc (09022015). Collection method: clinical testing. Allele origin: germline.
Comment: This sequence change falls in intron 27 of the ANK2 gene. It does not directly change the encoded amino acid sequence of the ANK2 protein. This variant is not present in population databases (gnomAD no frequency). This variant has not been reported in the literature in individuals affected with ANK2-related conditions. Algorithms developed to predict the effect of sequence changes on RNA splicing suggest that this variant may create or strengthen a splice site. In summary, the available evidence is currently insufficient to determine the role of this variant in disease. Therefore, it has been classified as a Variant of Uncertain Significance.